The following is an entry in ClinVar:

ClinVar aggregate classification (germline): Uncertain significance (1 of 4 stars; one submission).

Conditions:
Hereditary cancer-predisposing syndrome. Also called: Neoplastic Syndromes, Hereditary; Hereditary Cancer Syndrome; Hereditary neoplastic syndrome; Tumor predisposition. Identifiers: Orphanet 140162, MedGen C0027672, MeSH D009386, MONDO:0015356.

Submission:

Ambry Genetics
Classification: Uncertain significance for Hereditary cancer-predisposing syndrome. Last evaluated: 2023-03-30. Review status: criteria provided, single submitter. Criteria: Ambry Variant Classification Scheme 2023. Collection method: clinical testing. Allele origin: germline.
Comment: The p.T60A variant (also known as c.178A>G), located in coding exon 2 of the POLE gene, results from an A to G substitution at nucleotide position 178. The threonine at codon 60 is replaced by alanine, an amino acid with similar properties. This amino acid position is conserved. In addition, this alteration is predicted to be tolerated by in silico analysis. Since supporting evidence is limited at this time, the clinical significance of this alteration remains unclear.

NM_006231.4(POLE):c.178A>G (p.Thr60Ala)

Gene: POLE (DNA polymerase epsilon, catalytic subunit; minus strand). Cytogenetic location: 12q24.33.
Variant type: single nucleotide variant.
Coding change: c.178A>G on transcript NM_006231.4 (MANE Select); coding-DNA position 178, A replaced by G.
Protein change: p.Thr60Ala; replaces threonine 60 with alanine.
Molecular consequence: missense variant.
Genome position (GRCh38, 1-based): chr12:132,681,164, T>C on the plus strand (A>G on the coding strand, the complement: POLE is on the minus strand). VCF-style: chr12-132681164-T-C. GRCh37 (hg19) VCF-style: chr12-133257750-T-C.
Other names: short protein forms T60A.
Identifiers: ClinVar variation 2560391 (VCV002560391.2), dbSNP rs2136033786, ClinGen allele CA387369770.